The following is an entry in ClinVar:

NM_021008.4(DEAF1):c.138G>C (p.Glu46Asp)

Gene: DEAF1 (DEAF1 transcription factor; minus strand). Cytogenetic location: 11p15.5.
Variant type: single nucleotide variant.
Coding change: c.138G>C on transcript NM_021008.4 (MANE Select); coding-DNA position 138, G replaced by C.
Protein change: p.Glu46Asp; replaces glutamic acid 46 with aspartic acid.
Molecular consequence: missense variant. On other transcripts: intron variant (1).
Genome position (GRCh38, 1-based): chr11:694,910, C>G on the plus strand (G>C on the coding strand, the complement: DEAF1 is on the minus strand). VCF-style: chr11-694910-C-G. GRCh37 (hg19) VCF-style: chr11-694910-C-G.
Other names: c.138G>C, p.Glu46Asp (NM_001293634.2); c.-437-3312G>C (NM_001367390.1); short protein forms E46D.
Identifiers: ClinVar variation 2858382 (VCV002858382.3), dbSNP rs1313598644, ClinGen allele CA378939850.

ClinVar aggregate classification (germline): Uncertain significance (1 of 4 stars; one submission).

Allele frequency attached by ClinVar (database versions not stated): gnomAD exomes below 0.00001; TOPMed below 0.00001; gnomAD 0.00001.
gnomAD v4.1: 3 of 1,464,934 alleles (0.0002%); highest among the groups gnomAD compares: African/African-American, 0.0014%; no homozygotes.

Submission:

Labcorp Genetics (formerly Invitae), Labcorp
Classification: Uncertain significance. Last evaluated: 2023-08-29. Review status: criteria provided, single submitter. Criteria: Invitae Variant Classification Sherloc (09022015). Collection method: clinical testing. Allele origin: germline.
Comment: This sequence change replaces glutamic acid, which is acidic and polar, with aspartic acid, which is acidic and polar, at codon 46 of the DEAF1 protein (p.Glu46Asp). This variant has not been reported in the literature in individuals affected with DEAF1-related conditions. This variant is not present in population databases (gnomAD no frequency). In summary, the available evidence is currently insufficient to determine the role of this variant in disease. Therefore, it has been classified as a Variant of Uncertain Significance. Advanced modeling of protein sequence and biophysical properties (such as structural, functional, and spatial information, amino acid conservation, physicochemical variation, residue mobility, and thermodynamic stability) performed at Invitae indicates that this missense variant is not expected to disrupt DEAF1 protein function.